The following is an entry in ClinVar:

NM_000498.3(CYP11B2):c.1099del (p.Ala367fs)

Genes: CYP11B2 (cytochrome P450 family 11 subfamily B member 2; minus strand), LOC106799834 (CYP11B2 recombination region; plus strand). Cytogenetic location: 8q24.3.
Variant type: Deletion.
Coding change: c.1099del on transcript NM_000498.3 (MANE Select); coding-DNA position 1099, one base deleted (G; older notation c.1099delG).
Protein change: p.Ala367fs; shifts the reading frame from alanine 367.
Molecular consequence: frameshift variant.
Genome position (GRCh38, 1-based): chr8:142,913,307, C deleted on the plus strand (G on the coding strand, the reverse complement: CYP11B2 is on the minus strand); the first of 3 consecutive C bases (chr8:142,913,307-142,913,309); deleting any one gives the same sequence. VCF-style (leftmost placement, unchanged base first): chr8-142913306-GC-G. GRCh37 (hg19) VCF-style: chr8-143994722-GC-G.
Other names: short protein forms A367fs.
Identifiers: ClinVar variation 4818593 (VCV004818593.1).

ClinVar aggregate classification (germline): Likely pathogenic (1 of 4 stars; one submission).

Conditions:
Corticosterone methyl oxidase type II deficiency.

Submission:

Natera, Inc.
Classification: Likely pathogenic for Corticosterone methyl oxidase type II deficiency. Last evaluated: 2026-01-05. Review status: criteria provided, single submitter. Criteria: Natera Variant Classification Schema (03/2026). Collection method: clinical testing. Allele origin: germline.
Comment: The c.1099del variant in CYP11B2 is a frameshift variant predicted to shift the reading frame beginning at codon 367 and leads to a stop codon 20 codons downstream. This variant is expected to result in nonsense mediated decay, truncation, or a dysfunctional protein product. This variant is rare in the general population with a frequency below the threshold expected for the associated phenotype(s). Given the available evidence, this variant is classified as Likely Pathogenic.